The following is an entry in ClinVar:

ClinVar aggregate classification (germline): Uncertain significance (1 of 4 stars; one submission).

Conditions:
Primary ciliary dyskinesia. Also called: Ciliary dyskinesia. Identifiers: Orphanet 244, MedGen C0008780, MONDO:0016575, HP:0012265.

Submission:

Labcorp Genetics (formerly Invitae), Labcorp
Classification: Uncertain significance for Primary ciliary dyskinesia. Last evaluated: 2025-04-20. Review status: criteria provided, single submitter. Criteria: Invitae Variant Classification Sherloc (09022015). Collection method: clinical testing. Allele origin: germline.
Comment: This sequence change replaces aspartic acid, which is acidic and polar, with valine, which is neutral and non-polar, at codon 668 of the RPGR protein (p.Asp668Val). This variant is not present in population databases (gnomAD no frequency). This variant has not been reported in the literature in individuals affected with RPGR-related conditions. Invitae Evidence Modeling of protein sequence and biophysical properties (such as structural, functional, and spatial information, amino acid conservation, physicochemical variation, residue mobility, and thermodynamic stability) indicates that this missense variant is not expected to disrupt RPGR protein function with a negative predictive value of 95%. In summary, the available evidence is currently insufficient to determine the role of this variant in disease. Therefore, it has been classified as a Variant of Uncertain Significance.

NC_000023.11:g.38276675T>A

Gene: RPGR (retinitis pigmentosa GTPase regulator; minus strand). Cytogenetic location: Xp11.4.
Variant type: single nucleotide variant.
Molecular consequence: missense variant (on NM_000328.3). On other transcripts: non-coding transcript variant (6).
Genome position: GRCh38 VCF-style: chrX-38276675-T-A. GRCh37 (hg19) VCF-style: chrX-38135928-T-A.
Other names: c.2003A>T, p.Asp668Val (NM_000328.3); c.2000A>T, p.Asp667Val (NM_001367245.1); c.1817A>T, p.Asp606Val (NM_001367246.1); c.1670A>T, p.Asp557Val (NM_001367247.1); c.1700A>T, p.Asp567Val (NM_001367248.1); c.1667A>T, p.Asp556Val (NM_001367249.1, NM_001367250.1); c.1484A>T, p.Asp495Val (NM_001367251.1); short protein forms D557V, D556V, D567V, D667V, D668V, D495V, D606V.
Identifiers: ClinVar variation 4692077 (VCV004692077.1).